The following is an entry in ClinVar:

ClinVar aggregate classification (germline): Pathogenic. Review status: criteria provided, multiple submitters, no conflicts (2 of 4 stars). 7 submissions from 7 submitters: Pathogenic (5). 2 of the submissions do not count toward it. Last evaluated 2024-11-26.

Conditions:
PNKP-related disorder. Also called: PNKP-related disorders; PNKP-related condition.
Microcephaly, seizures, and developmental delay. Identifiers: Orphanet 1934, MedGen C3150667, MONDO:0013254, OMIM 613402.
Developmental and epileptic encephalopathy, 12 (DEE12). Identifiers: MedGen C3150988, MONDO:0013389, OMIM 613722.

Submissions (7):

Blueprint Genetics
Classification: Pathogenic for PNKP-related disorders. Last evaluated: 2024-11-26. Review status: criteria provided, single submitter. Criteria: ACMG Guidelines, 2015. Collection method: clinical testing. Allele origin: germline. Affected: yes. Observed: 5 variant alleles.

CeGaT Center for Human Genetics Tuebingen
Classification: Pathogenic. Last evaluated: 2024-08-01. Review status: criteria provided, single submitter. Criteria: CeGaT Center For Human Genetics Tuebingen Variant Classification Criteria Version 2. Collection method: clinical testing. Allele origin: germline. Affected: yes. Observed: 2 variant alleles.
Comment: PNKP: PM3:Very Strong, PM2, PS3:Supporting

Labcorp Genetics (formerly Invitae), Labcorp
Classification: Pathogenic for Developmental and epileptic encephalopathy, 12. Last evaluated: 2024-05-09. Review status: criteria provided, single submitter. Criteria: Invitae Variant Classification Sherloc (09022015). Collection method: clinical testing. Allele origin: germline.
Comment: This sequence change falls in intron 15 of the PNKP gene. It does not directly change the encoded amino acid sequence of the PNKP protein. RNA analysis indicates that this variant induces altered splicing and may result in an absent or disrupted protein product. This variant is present in population databases (rs752902474, gnomAD 0.04%). This variant has been observed in individual(s) with PNKP-related microcephaly and seizures (PMID: 20118933). In at least one individual the data is consistent with being in trans (on the opposite chromosome) from a pathogenic variant. It has also been observed to segregate with disease in related individuals. This variant is also known as g.5646_5662del and exon15fs4X. ClinVar contains an entry for this variant (Variation ID: 211919). Studies have shown that this variant results in skipping of exon 15 and introduces a premature termination codon (PMID: 20118933, 22508754). The resulting mRNA is expected to undergo nonsense-mediated decay. For these reasons, this variant has been classified as Pathogenic.

Genetic Services Laboratory, University of Chicago
Classification: Pathogenic for Epileptic encephalopathy, early infantile, 10. Last evaluated: 2013-02-08. Review status: criteria provided, single submitter. Criteria: ACMG Guidelines, 2007. Collection method: clinical testing. Allele origin: germline. Affected: yes.

Rady Children's Institute for Genomic Medicine, Rady Children's Hospital San Diego
Classification: Pathogenic for PNKP-related disorders. Review status: criteria provided, single submitter. Criteria: ACMG Guidelines, 2015. Collection method: clinical testing. Allele origin: germline. Affected: yes.
Comment: This intron 15 variant has been previously reported as compound heterozygous change in individuals with features of microcephaly, seizures, and developmental delay (MCSZ) (MIM: #613402; PMID: 32980744, 20118933). Experimental studies have shown that this variant disrupts mRNA splicing and causes skipping of exon 15, decreases DNA kinase activity, and results in reduced rates of DNA strand break repair (PMID: 20118933, 22508754). The c.1386+49_1387-33del variant is present in the heterozygous state in the gnomAD population database at a frequency of 0.008% (15/182634) and is absent in the homozygous state; thus it is presumed to be rare. Based on the available evidence, the c.1386+49_1387-33del variant is classified as Pathogenic.

OMIM
Classification: Pathogenic for MICROCEPHALY, SEIZURES, AND DEVELOPMENTAL DELAY. Last evaluated: 2010-03-01. Review status: no assertion criteria provided. Collection method: literature only. Allele origin: germline. Not counted in ClinVar's aggregate classification.

Kasturba Medical College, Manipal, Kasturba Medical College, Manipal, Manipal Academy of Higher Education, Manipal, India
Classification: Pathogenic for Microcephaly, seizures, and developmental delay. Review status: no assertion criteria provided. Collection method: clinical testing. Allele origin: germline. Inheritance: Autosomal recessive inheritance. Affected: yes. Not counted in ClinVar's aggregate classification.

Literature cited by the submitters: PubMed 20118933 (cited by Labcorp Genetics (formerly Invitae), Labcorp and OMIM); PubMed 22508754 (cited by Labcorp Genetics (formerly Invitae), Labcorp).

NM_007254.4(PNKP):c.1386+49_1387-33del

Gene: PNKP (polynucleotide kinase 3'-phosphatase; minus strand). Cytogenetic location: 19q13.33.
Variant type: Deletion.
Coding change: c.1386+49_1387-33del on transcript NM_007254.4 (MANE Select); 49 bases into the intron after coding-DNA position 1386 through 33 bases into the intron before coding-DNA position 1387, 17 bases deleted (CCTCCTCCCCTGACCCC).
Genome position (GRCh38, 1-based): chr19:49,861,543-49,861,559, GGGGTCAGGGGAGGAGG deleted on the plus strand (CCTCCTCCCCTGACCCC on the coding strand, the reverse complement: PNKP is on the minus strand); deleting any 17 consecutive bases within chr19:49,861,543-49,861,570 gives the same sequence; the c. name uses the placement nearest the transcript's 3' end. VCF-style (leftmost placement, unchanged base first): chr19-49861542-AGGGGTCAGGGGAGGAGG-A. GRCh37 (hg19) VCF-style: chr19-50364799-AGGGGTCAGGGGAGGAGG-A.
Other names: c.1386+49_1387-33del (NM_007254.3).
Identifiers: ClinVar variation 211919 (VCV000211919.52), dbSNP rs752902474, ClinGen allele CA251312.
Genomic context (GRCh38, chr19:49,861,542, plus strand): 5'-ATATGAGAGGAGTCCGTCATCTCTCGAAACTGTGGGGAACATCAGAGGGGCGGCAGGCCC[AGGGGTCAGGGGAGGAGG>A]GGGGTCAGGGGGTGCAGCCCGGGGGGTGTCCGGGCTGAGCGGGCTCACCCGGTTGTTGTG-3'